The following is an entry in ClinVar:

ClinVar aggregate classification (germline): Uncertain significance. Review status: criteria provided, multiple submitters, no conflicts (2 of 4 stars). 3 submissions from 3 submitters: Uncertain significance (3). Last evaluated 2024-03-06.

Conditions:
Hereditary cancer-predisposing syndrome. Also called: Tumor predisposition; Neoplastic Syndromes, Hereditary; Hereditary neoplastic syndrome; Hereditary Cancer Syndrome. Identifiers: Orphanet 140162, MedGen C0027672, MeSH D009386, MONDO:0015356.
Ataxia-telangiectasia syndrome (AT). Also called: Ataxia-telangiectasia, complementation group D; AT, COMPLEMENTATION GROUP C; ATAXIA-TELANGIECTASIA, COMPLEMENTATION GROUP A; ATAXIA-TELANGIECTASIA, FRESNO VARIANT; Ataxia-telangiectasia; Ataxia telangiectasia (A-T). Identifiers: Orphanet 100, MedGen C0004135, MONDO:0008840, OMIM 208900.

Submissions (3):

Color Diagnostics, LLC DBA Color Health
Classification: Uncertain significance for Hereditary cancer-predisposing syndrome. Last evaluated: 2024-03-06. Review status: criteria provided, single submitter. Criteria: ACMG Guidelines, 2015. Collection method: clinical testing. Allele origin: germline.
Comment: This missense variant replaces glycine with alanine at codon 1925 of the ATM protein. Computational prediction tool suggests that this variant may not impact protein structure and function (internally defined REVEL score threshold <=0.5, PMID: 27666373). Splice site prediction tools suggest that this variant may not impact RNA splicing. To our knowledge, functional studies have not been performed for this variant. This variant has not been reported in individuals affected with hereditary cancer in the literature. This variant has not been identified in the general population by the Genome Aggregation Database (gnomAD). The available evidence is insufficient to determine the role of this variant in disease conclusively. Therefore, this variant is classified as a Variant of Uncertain Significance.

Ambry Genetics
Classification: Uncertain significance for Hereditary cancer-predisposing syndrome. Last evaluated: 2022-03-07. Review status: criteria provided, single submitter. Criteria: Ambry Variant Classification Scheme 2023. Collection method: clinical testing. Allele origin: germline.
Comment: The p.G1925A variant (also known as c.5774G>C), located in coding exon 38 of the ATM gene, results from a G to C substitution at nucleotide position 5774. The glycine at codon 1925 is replaced by alanine, an amino acid with similar properties. This amino acid position is conserved. In addition, this alteration is predicted to be tolerated by in silico analysis. Since supporting evidence is limited at this time, the clinical significance of this alteration remains unclear.

Labcorp Genetics (formerly Invitae), Labcorp
Classification: Uncertain significance for Ataxia-telangiectasia syndrome. Last evaluated: 2021-09-01. Review status: criteria provided, single submitter. Criteria: Invitae Variant Classification Sherloc (09022015). Collection method: clinical testing. Allele origin: germline.
Comment: This sequence change replaces glycine with alanine at codon 1925 of the ATM protein (p.Gly1925Ala). The glycine residue is moderately conserved and there is a small physicochemical difference between glycine and alanine. This variant is not present in population databases (ExAC no frequency). This variant has not been reported in the literature in individuals affected with ATM-related conditions. ClinVar contains an entry for this variant (Variation ID: 924050). Advanced modeling of protein sequence and biophysical properties (such as structural, functional, and spatial information, amino acid conservation, physicochemical variation, residue mobility, and thermodynamic stability) performed at Invitae indicates that this missense variant is not expected to disrupt ATM protein function. In summary, the available evidence is currently insufficient to determine the role of this variant in disease. Therefore, it has been classified as a Variant of Uncertain Significance.

NM_000051.4(ATM):c.5774G>C (p.Gly1925Ala)

Genes: ATM (ATM serine/threonine kinase; plus strand), C11orf65 (chromosome 11 open reading frame 65; minus strand). Cytogenetic location: 11q22.3.
Variant type: single nucleotide variant.
Coding change: c.5774G>C on transcript NM_000051.4 (MANE Select); coding-DNA position 5774, G replaced by C.
Protein change: p.Gly1925Ala; replaces glycine 1925 with alanine.
Molecular consequence: missense variant. On other transcripts: intron variant (2).
Genome position (GRCh38, 1-based): chr11:108,310,171, G>C. VCF-style: chr11-108310171-G-C. GRCh37 (hg19) VCF-style: chr11-108180898-G-C.
Other names: c.5774G>C, p.Gly1925Ala (NM_001351834.2); c.641-1100C>G (NM_001330368.2); c.*39-1100C>G (NM_001351110.2); short protein forms G1925A.
Identifiers: ClinVar variation 924050 (VCV000924050.11), dbSNP rs755055090, ClinGen allele CA382548295.
Genomic context (GRCh38, chr11:108,310,171, plus strand): 5'-ATATTGAAGTTTAAAAAAGTGAATGACATTATATCTCATTTTTCTTTAGACCTTCTTCAG[G>C]AACAATTTTTAATGATGCTTTCTGGCTGGATTTAAATTATCTAGAAGTTGCCAAGGTAGC-3'
Protein context (NP_000042.3, residues 1915-1935): YMRRQKRPSS[Gly1925Ala]TIFNDAFWLD